The following is an entry in ClinVar:

ClinVar aggregate classification (germline): Pathogenic. Review status: criteria provided, multiple submitters, no conflicts (2 of 4 stars). 3 submissions from 3 submitters: Pathogenic (3). Last evaluated 2025-05-29.

Conditions:
Autosomal recessive primary microcephaly. Identifiers: Orphanet 2512, MedGen C3711387, MONDO:0016660.
Microcephaly 5, primary, autosomal recessive (MCPH5). Also called: ASPM Primary Microcephaly. Identifiers: Orphanet 2512, MedGen C1837501, MONDO:0012106, OMIM 608716.

Submissions (3):

Women's Health and Genetics/Laboratory Corporation of America, LabCorp
Classification: Pathogenic for Autosomal recessive primary microcephaly. Last evaluated: 2025-05-29. Review status: criteria provided, single submitter. Criteria: LabCorp Variant Classification Summary - May 2015. Collection method: clinical testing. Allele origin: germline.
Comment: Variant summary: ASPM c.5505delT (p.Phe1835LeufsX8) results in a premature termination codon, predicted to cause a truncation of the encoded protein or absence of the protein due to nonsense mediated decay, which are commonly known mechanisms for disease. The variant was absent in 249122 control chromosomes. To our knowledge, no occurrence of c.5505delT in individuals affected with Primary microcephaly and no experimental evidence demonstrating its impact on protein function have been reported. ClinVar contains an entry for this variant (Variation ID: 3600659). Based on the evidence outlined above, the variant was classified as pathogenic.

GeneDx
Classification: Pathogenic. Last evaluated: 2024-07-23. Review status: criteria provided, single submitter. Criteria: GeneDx Variant Classification Process June 2021. Collection method: clinical testing. Allele origin: germline. Affected: yes.
Comment: Not observed at significant frequency in large population cohorts (gnomAD); Has not been previously published as pathogenic or benign to our knowledge; Frameshift variant predicted to result in protein truncation or nonsense mediated decay in a gene for which loss of function is a known mechanism of disease

Labcorp Genetics (formerly Invitae), Labcorp
Classification: Pathogenic. Last evaluated: 2024-03-02. Review status: criteria provided, single submitter. Criteria: Invitae Variant Classification Sherloc (09022015). Collection method: clinical testing. Allele origin: germline.
Comment: This sequence change creates a premature translational stop signal (p.Phe1835Leufs*8) in the ASPM gene. It is expected to result in an absent or disrupted protein product. Loss-of-function variants in ASPM are known to be pathogenic (PMID: 19028728, 23611254). This variant is not present in population databases (gnomAD no frequency). This variant has not been reported in the literature in individuals affected with ASPM-related conditions. For these reasons, this variant has been classified as Pathogenic.

Literature cited by the submitters: PubMed 19028728 (cited by Labcorp Genetics (formerly Invitae), Labcorp); PubMed 23611254 (cited by Labcorp Genetics (formerly Invitae), Labcorp).

NM_018136.5(ASPM):c.5505del (p.Phe1835fs)

Gene: ASPM (assembly factor for spindle microtubules; minus strand). Cytogenetic location: 1q31.3.
Variant type: Deletion.
Coding change: c.5505del on transcript NM_018136.5 (MANE Select); coding-DNA position 5505, one base deleted (T; older notation c.5505delT).
Protein change: p.Phe1835fs; shifts the reading frame from phenylalanine 1835.
Molecular consequence: frameshift variant. On other transcripts: intron variant (1).
Genome position (GRCh38, 1-based): chr1:197,103,746, A deleted on the plus strand (T on the coding strand, the reverse complement: ASPM is on the minus strand); the first of 4 consecutive A bases (chr1:197,103,746-197,103,749); deleting any one gives the same sequence. VCF-style (leftmost placement, unchanged base first): chr1-197103745-TA-T. GRCh37 (hg19) VCF-style: chr1-197072875-TA-T.
Other names: c.5505delT (NM_018136.5); c.4066-7582del (NM_001206846.2); short protein forms F1835fs.
Identifiers: ClinVar variation 3600659 (VCV003600659.5).
Genomic context (GRCh38, chr1:197,103,745, plus strand): 5'-TCTGAATCTTTATTATAGATTGAAGCACAGATTGATATTTTACCCTTTTATTATAGCCTC[TA>T]AAAGCAGACTGAATTTTAAGAGCAGCTATAGATTGTTGTTTGATTAGCTGGCGTACTTTA-3'